The following is an entry in ClinVar:

ClinVar aggregate classification (germline): Benign/Likely benign. Review status: criteria provided, multiple submitters, no conflicts (2 of 4 stars). 6 submissions from 4 submitters: Benign (4); Likely benign (2). Last evaluated 2023-04-01.

Conditions:
Distal spinal muscular atrophy. Also called: Distal hereditary motor neuronopathy; Distal hereditary motor neuropathy. Identifiers: Orphanet 53739, MedGen C0393541, MONDO:0018894.
Neuronopathy, distal hereditary motor, type 5A (HMND5). Also called: Distal Spinal Muscular Atrophy V; Distal Spinal Muscular Atrophy V (dSMA-V); NEURONOPATHY, DISTAL HEREDITARY MOTOR, AUTOSOMAL DOMINANT 5; DHMN VA. Identifiers: Orphanet 139536, MedGen CN031873, MONDO:0015353, OMIM 600794.
Charcot-Marie-Tooth disease type 2D (CMT2D). Also called: Charcot-Marie-Tooth Neuropathy Type 2D; CHARCOT-MARIE-TOOTH DISEASE, AXONAL, TYPE 2D; GARS1 Adolescent- or Early Adult-Onset Hereditary Motor/Sensory Neuropathy (GARS1-HMSN); CHARCOT-MARIE-TOOTH DISEASE, NEURONAL, TYPE 2D. Identifiers: Orphanet 99938, MedGen C1832274, MONDO:0011091, OMIM 601472.

Allele frequency attached by ClinVar (database versions not stated): 1000 Genomes Project 30x 0.00344; gnomAD 0.00437 and 0.00444; 1000 Genomes Project 0.00280; TOPMed 0.00407.
gnomAD v4.1: 3,354 of 603,942 alleles (0.56%); highest among the groups gnomAD compares: East Asian, 1.8%; 21 homozygotes.

Submissions (6):

CeGaT Center for Human Genetics Tuebingen
Classification: Benign. Last evaluated: 2023-04-01. Review status: criteria provided, single submitter. Criteria: CeGaT Center For Human Genetics Tuebingen Variant Classification Criteria Version 2. Collection method: clinical testing. Allele origin: germline. Affected: yes. Observed: 10 variant alleles.
Comment: GARS1: BS1, BS2; GARS1-DT: BS1, BS2

GeneDx
Classification: Likely benign. Last evaluated: 2018-07-31. Review status: criteria provided, single submitter. Criteria: GeneDx Variant Classification Process June 2021. Collection method: clinical testing. Allele origin: germline. Affected: yes.

Illumina Laboratory Services, Illumina
Classification: Benign for Distal Spinal Muscular Atrophy. Last evaluated: 2018-01-12. Review status: criteria provided, single submitter. Criteria: ICSL Variant Classification Criteria 13 December 2019. Collection method: clinical testing. Allele origin: germline.
Comment: This variant was observed in the ICSL laboratory as part of a predisposition screen in an ostensibly healthy population. It had not been previously curated by ICSL or reported in the Human Gene Mutation Database (HGMD: prior to June 1st, 2018), and was therefore a candidate for classification through an automated scoring system. Utilizing variant allele frequency, disease prevalence and penetrance estimates, and inheritance mode, an automated score was calculated to assess if this variant is too frequent to cause the disease. Based on the score and internal cut-off values, a variant classified as benign is not then subjected to further curation. The score for this variant resulted in a classification of benign for this disease.

Illumina Laboratory Services, Illumina
Classification: Benign for Distal hereditary motor neuronopathy type 5. Last evaluated: 2018-01-12. Review status: criteria provided, single submitter. Criteria: ICSL Variant Classification Criteria 13 December 2019. Collection method: clinical testing. Allele origin: germline.
Comment: the same text as in the submission from Illumina Laboratory Services, Illumina above.

Illumina Laboratory Services, Illumina
Classification: Benign for Charcot-Marie-Tooth disease type 2D. Last evaluated: 2018-01-12. Review status: criteria provided, single submitter. Criteria: ICSL Variant Classification Criteria 13 December 2019. Collection method: clinical testing. Allele origin: germline.
Comment: the same text as in the submission from Illumina Laboratory Services, Illumina above.

Breakthrough Genomics
Classification: Likely benign. Review status: criteria provided, single submitter. Criteria: ACMG Guidelines, 2015. Collection method: not provided. Allele origin: germline. Inheritance: Autosomal dominant inheritance. Affected: yes.

NM_002047.2(GARS1):c.-177T>C

Gene: GARS1 (glycyl-tRNA synthetase 1; plus strand). Cytogenetic location: 7p14.3.
Variant type: single nucleotide variant.
Coding change: c.-177T>C on transcript NM_002047.2; 177 bases upstream of the start codon, T replaced by C.
Molecular consequence: 5 prime UTR variant (on NM_001316772.1).
Genome position (GRCh38, 1-based): chr7:30,594,745, T>C. VCF-style: chr7-30594745-T-C. GRCh37 (hg19) VCF-style: chr7-30634361-T-C.
Other names: c.-339T>C (NM_001316772.1).
Identifiers: ClinVar variation 359996 (VCV000359996.38), dbSNP rs78980639, ClinGen allele CA10629083.